The following is an entry in ClinVar:

ClinVar aggregate classification (germline): Uncertain significance (1 of 4 stars; one submission).

Submission:

Labcorp Genetics (formerly Invitae), Labcorp
Classification: Uncertain significance. Last evaluated: 2025-08-06. Review status: criteria provided, single submitter. Criteria: Invitae Variant Classification Sherloc (09022015). Collection method: clinical testing. Allele origin: germline.
Comment: This sequence change creates a premature translational stop signal (p.Gln115*) in the ALPK3 gene. It is unclear whether it will result in an absent or disrupted protein product because an in-frame methionine located at codon 203 has the potential to rescue this truncating variant. This variant is not present in population databases (gnomAD no frequency). This variant has not been reported in the literature in individuals affected with ALPK3-related conditions. In summary, the available evidence is currently insufficient to determine the role of this variant in disease. Therefore, it has been classified as a Variant of Uncertain Significance.

NC_000015.10:g.84817189C>T

Gene: ALPK3 (alpha kinase 3; plus strand). Cytogenetic location: 15q25.3.
Variant type: single nucleotide variant.
Genome position: GRCh38 VCF-style: chr15-84817189-C-T. GRCh37 (hg19) VCF-style: chr15-85360420-C-T.
Identifiers: ClinVar variation 4724886 (VCV004724886.1).